The following is an entry in ClinVar:

ClinVar aggregate classification (germline): Uncertain significance. Review status: criteria provided, multiple submitters, no conflicts (2 of 4 stars). 3 submissions from 3 submitters: Uncertain significance (3). Last evaluated 2025-08-21.

Conditions:
Orofaciodigital syndrome I (OFD1). Also called: OFDS I; Papillon-Leage and Psaume Syndrome; Oral-Facial-Digital Syndrome Type I. Identifiers: Orphanet 2750, MedGen C1510460, MONDO:0010702, OMIM 311200.
Retinitis pigmentosa 23 (RP23). Identifiers: Orphanet 791, MedGen C1419610, MONDO:0010320, OMIM 300424.
Simpson-Golabi-Behmel syndrome type 2. Identifiers: Orphanet 79022, MedGen C1846175, MONDO:0010265, OMIM 300209.
Joubert syndrome 10 (JBTS10). Identifiers: Orphanet 2754, MedGen C2749019, MONDO:0010431, OMIM 300804.
Joubert syndrome. Also called: JOUBERT-BOLTSHAUSER SYNDROME; Familial aplasia of the vermis. Identifiers: Orphanet 475, MedGen C5979921, MONDO:0018772.
Primary ciliary dyskinesia. Also called: Ciliary dyskinesia. Identifiers: Orphanet 244, MedGen C0008780, MONDO:0016575, HP:0012265.

Allele frequency attached by ClinVar (database versions not stated): TOPMed below 0.00001; gnomAD exomes 0.00002.
gnomAD v4.1: 21 of 1,193,536 alleles (0.0018%); highest among the groups gnomAD compares: Non-Finnish European, 0.0024%; no homozygotes.

Submissions (3):

Ambry Genetics
Classification: Uncertain significance for Primary ciliary dyskinesia. Last evaluated: 2025-08-21. Review status: criteria provided, single submitter. Criteria: Ambry Variant Classification Scheme 2023. Collection method: clinical testing. Allele origin: germline.

Labcorp Genetics (formerly Invitae), Labcorp
Classification: Uncertain significance for Orofaciodigital syndrome I; Joubert syndrome. Last evaluated: 2025-01-07. Review status: criteria provided, single submitter. Criteria: Invitae Variant Classification Sherloc (09022015). Collection method: clinical testing. Allele origin: germline.
Comment: This sequence change replaces asparagine, which is neutral and polar, with threonine, which is neutral and polar, at codon 118 of the OFD1 protein (p.Asn118Thr). This variant is present in population databases (no rsID available, gnomAD 0.001%). This variant has not been reported in the literature in individuals affected with OFD1-related conditions. ClinVar contains an entry for this variant (Variation ID: 1732433). Invitae Evidence Modeling of protein sequence and biophysical properties (such as structural, functional, and spatial information, amino acid conservation, physicochemical variation, residue mobility, and thermodynamic stability) has been performed for this missense variant. However, the output from this modeling did not meet the statistical confidence thresholds required to predict the impact of this variant on OFD1 protein function. In summary, the available evidence is currently insufficient to determine the role of this variant in disease. Therefore, it has been classified as a Variant of Uncertain Significance.

Fulgent Genetics
Classification: Uncertain significance for Simpson-Golabi-Behmel syndrome type 2; Retinitis pigmentosa 23; Joubert syndrome 10; Orofaciodigital syndrome I. Last evaluated: 2024-05-13. Review status: criteria provided, single submitter. Criteria: ACMG Guidelines, 2015. Collection method: clinical testing. Allele origin: germline.

NM_003611.3(OFD1):c.353A>C (p.Asn118Thr)

Gene: OFD1 (OFD1 centriole and centriolar satellite protein; plus strand). Cytogenetic location: Xp22.2.
Variant type: single nucleotide variant.
Coding change: c.353A>C on transcript NM_003611.3 (MANE Select); coding-DNA position 353, A replaced by C.
Protein change: p.Asn118Thr; replaces asparagine 118 with threonine.
Molecular consequence: missense variant. On other transcripts: 5 prime UTR variant (1).
Genome position (GRCh38, 1-based): chrX:13,738,886, A>C. VCF-style: chrX-13738886-A-C. GRCh37 (hg19) VCF-style: chrX-13757005-A-C.
Other names: c.353A>C, p.Asn118Thr (NM_001330209.2); c.-193A>C (NM_001330210.2); short protein forms N118T.
Identifiers: ClinVar variation 1732433 (VCV001732433.6), dbSNP rs761683644, ClinGen allele CA412333704.